The following is an entry in ClinVar:

ClinVar aggregate classification (germline): Uncertain significance (1 of 4 stars; one submission).

Conditions:
Gastrointestinal stromal tumor. Also called: Gastrointestinal stromal tumor, somatic; Gastrointestinal stroma tumor. Identifiers: Orphanet 44890, MedGen C0238198, MeSH D046152, MONDO:0011719, OMIM 606764, HP:0100723.

Submission:

Labcorp Genetics (formerly Invitae), Labcorp
Classification: Uncertain significance for Gastrointestinal stromal tumor. Last evaluated: 2023-09-20. Review status: criteria provided, single submitter. Criteria: Invitae Variant Classification Sherloc (09022015). Collection method: clinical testing. Allele origin: germline.
Comment: In summary, the available evidence is currently insufficient to determine the role of this variant in disease. Therefore, it has been classified as a Variant of Uncertain Significance. An algorithm developed to predict the effect of missense changes on protein structure and function (PolyPhen-2) suggests that this variant is likely to be disruptive. This variant has not been reported in the literature in individuals affected with PDGFRA-related conditions. This variant is not present in population databases (gnomAD no frequency). This sequence change replaces lysine, which is basic and polar, with arginine, which is basic and polar, at codon 688 of the PDGFRA protein (p.Lys688Arg).

NM_006206.6(PDGFRA):c.2063A>G (p.Lys688Arg)

Gene: PDGFRA (platelet derived growth factor receptor alpha; plus strand). Cytogenetic location: 4q12.
Variant type: single nucleotide variant.
Coding change: c.2063A>G on transcript NM_006206.6 (MANE Select); coding-DNA position 2063, A replaced by G.
Protein change: p.Lys688Arg; replaces lysine 688 with arginine.
Molecular consequence: missense variant.
Genome position (GRCh38, 1-based): chr4:54,278,422, A>G. VCF-style: chr4-54278422-A-G. GRCh37 (hg19) VCF-style: chr4-55144589-A-G.
Other names: c.2063A>G, p.Lys688Arg (NM_001347827.2, NM_001347829.2); c.2138A>G, p.Lys713Arg (NM_001347828.2); c.2102A>G, p.Lys701Arg (NM_001347830.2); short protein forms K713R, K688R, K701R.
Identifiers: ClinVar variation 2902273 (VCV002902273.3), dbSNP rs2110315646, ClinGen allele CA356893958.